The following is an entry in ClinVar:

ClinVar aggregate classification (germline): Uncertain significance. Review status: criteria provided, single submitter (1 of 4 stars). 2 submissions from 2 submitters: Uncertain significance (1). 1 of the submissions does not count toward it. Last evaluated 2021-08-31.

Conditions:
Familial dysautonomia. Also called: FD; HSAN III. Identifiers: Orphanet 1764, MedGen C0013364, MONDO:0009131, OMIM 223900. Disease mechanism: loss of function.

Allele frequency attached by ClinVar (database versions not stated): gnomAD exomes below 0.00001; ExAC 0.00001.
gnomAD v4.1: 2 of 1,613,756 alleles (0.00012%); highest among the groups gnomAD compares: Non-Finnish European, 0.00017%; no homozygotes.

Submissions (2):

Labcorp Genetics (formerly Invitae), Labcorp
Classification: Uncertain significance. Last evaluated: 2021-08-31. Review status: criteria provided, single submitter. Criteria: Invitae Variant Classification Sherloc (09022015). Collection method: clinical testing. Allele origin: germline.
Comment: This sequence change replaces aspartic acid with glutamic acid at codon 1125 of the ELP1 protein (p.Asp1125Glu). The aspartic acid residue is moderately conserved and there is a small physicochemical difference between aspartic acid and glutamic acid. This variant is present in population databases (rs753992200, ExAC 0.001%). This variant has not been reported in the literature in individuals affected with ELP1-related conditions. Algorithms developed to predict the effect of missense changes on protein structure and function output the following: SIFT: "Tolerated"; PolyPhen-2: "Benign"; Align-GVGD: "Class C0". The glutamic acid amino acid residue is found in multiple mammalian species, which suggests that this missense change does not adversely affect protein function. In summary, the available evidence is currently insufficient to determine the role of this variant in disease. Therefore, it has been classified as a Variant of Uncertain Significance.

Natera, Inc.
Classification: Uncertain significance for Familial dysautonomia. Last evaluated: 2020-06-19. Review status: no assertion criteria provided. Collection method: clinical testing. Allele origin: germline. Not counted in ClinVar's aggregate classification.

NM_003640.5(ELP1):c.3375C>G (p.Asp1125Glu)

Gene: ELP1 (elongator acetyltransferase complex subunit 1; minus strand). Cytogenetic location: 9q31.3.
Variant type: single nucleotide variant.
Coding change: c.3375C>G on transcript NM_003640.5 (MANE Select); coding-DNA position 3375, C replaced by G.
Protein change: p.Asp1125Glu; replaces aspartic acid 1125 with glutamic acid.
Molecular consequence: missense variant.
Genome position (GRCh38, 1-based): chr9:108,880,137, G>C on the plus strand (C>G on the coding strand, the complement: ELP1 is on the minus strand). VCF-style: chr9-108880137-G-C. GRCh37 (hg19) VCF-style: chr9-111642417-G-C.
Other names: c.3033C>G, p.Asp1011Glu (NM_001318360.2); c.2328C>G, p.Asp776Glu (NM_001330749.2); short protein forms D1011E, D1125E, D776E.
Identifiers: ClinVar variation 1016790 (VCV001016790.7), dbSNP rs753992200, ClinGen allele CA5174324.
Genomic context (GRCh38, chr9:108,880,137, plus strand): 5'-CTTGAGCTCTCGAACTACCAATAAACGTTTCTTGTGGCGACTGAATGTGGCTGTCTGAGA[G>C]TCCAGAAATGCCATATAATTTTTCTGGGCTGGAGATGCAGAATGGAAAATAGTTTGAGCA-3'
Protein context (NP_003631.2, residues 1115-1135): EAQKNYMAFL[Asp1125Glu]SQTATFSRHK